The following is an entry in ClinVar:

ClinVar aggregate classification (germline): Likely benign (1 of 4 stars; one submission).

Allele frequency attached by ClinVar (database versions not stated): ExAC 0.00010; ESP Exome Variant Server 0.00038.
gnomAD v4.1: 97 of 1,613,270 alleles (0.006%); highest among the groups gnomAD compares: African/African-American, 0.08%; no homozygotes.

Submission:

CeGaT Center for Human Genetics Tuebingen
Classification: Likely benign. Last evaluated: 2022-10-01. Review status: criteria provided, single submitter. Criteria: CeGaT Center For Human Genetics Tuebingen Variant Classification Criteria Version 2. Collection method: clinical testing. Allele origin: germline. Affected: yes. Observed: 1 variant allele.
Comment: CDK19: BP4, BP7

NM_015076.5(CDK19):c.1257C>T (p.Thr419=)

Gene: CDK19 (cyclin dependent kinase 19; minus strand). Cytogenetic location: 6q21.
Variant type: single nucleotide variant.
Coding change: c.1257C>T on transcript NM_015076.5 (MANE Select); coding-DNA position 1257, C replaced by T.
Protein change: p.Thr419=; no amino-acid change (threonine 419 retained).
Molecular consequence: synonymous variant.
Genome position (GRCh38, 1-based): chr6:110,621,224, G>A on the plus strand (C>T on the coding strand, the complement: CDK19 is on the minus strand). VCF-style: chr6-110621224-G-A. GRCh37 (hg19) VCF-style: chr6-110942427-G-A.
Other names: c.1125C>T, p.Thr375= (NM_001300960.2); c.1077C>T, p.Thr359= (NM_001300963.2, NM_001300964.2).
Identifiers: ClinVar variation 2656845 (VCV002656845.24), dbSNP rs148540500, ClinGen allele CA3958879.